The following is an entry in ClinVar:

ClinVar aggregate classification (germline): Uncertain significance (1 of 4 stars; one submission).

Conditions:
Familial acute necrotizing encephalopathy (IIAE3). Also called: ENCEPHALOPATHY, ACUTE, INFECTION-INDUCED, SUSCEPTIBILITY TO, 3; Susceptibility to Acute Necrotizing Encephalopathy 1. Identifiers: Orphanet 88619, MedGen C2675556, MONDO:0011953, OMIM 608033.

Allele frequency attached by ClinVar (database versions not stated): TOPMed below 0.00001.

Submission:

Labcorp Genetics (formerly Invitae), Labcorp
Classification: Uncertain significance for Familial acute necrotizing encephalopathy. Last evaluated: 2022-05-24. Review status: criteria provided, single submitter. Criteria: Invitae Variant Classification Sherloc (09022015). Collection method: clinical testing. Allele origin: germline.
Comment: In summary, the available evidence is currently insufficient to determine the role of this variant in disease. Therefore, it has been classified as a Variant of Uncertain Significance. Algorithms developed to predict the effect of missense changes on protein structure and function are either unavailable or do not agree on the potential impact of this missense change (SIFT: "Deleterious"; PolyPhen-2: "Benign"; Align-GVGD: "Class C65"). This variant has not been reported in the literature in individuals affected with RANBP2-related conditions. This variant is present in population databases (no rsID available, gnomAD 0.001%). This sequence change replaces isoleucine, which is neutral and non-polar, with asparagine, which is neutral and polar, at codon 626 of the RANBP2 protein (p.Ile626Asn).

NM_006267.5(RANBP2):c.1877T>A (p.Ile626Asn)

Gene: RANBP2 (RAN binding protein 2; plus strand). Cytogenetic location: 2q13.
Variant type: single nucleotide variant.
Coding change: c.1877T>A on transcript NM_006267.5 (MANE Select); coding-DNA position 1877, T replaced by A.
Protein change: p.Ile626Asn; replaces isoleucine 626 with asparagine.
Molecular consequence: missense variant.
Genome position (GRCh38, 1-based): chr2:108,753,119, T>A. VCF-style: chr2-108753119-T-A. GRCh37 (hg19) VCF-style: chr2-109369575-T-A.
Other names: c.1877T>A, p.Ile626Asn (NM_001415873.1, NM_001415871.1); c.1874T>A, p.Ile625Asn (NM_001415872.1); short protein forms I626N, I625N.
Identifiers: ClinVar variation 2075601 (VCV002075601.4), dbSNP rs1312379333, ClinGen allele CA348051942.
Genomic context (GRCh38, chr2:108,753,119, plus strand): 5'-GGAAGAAAGTTTTGCCATTGTTGAAGATAATAAAAAAGAAGAACAGTATTCCTGAACCTA[T>A]TGATCCTCTGTTTAAACATTTTCATAGTGTAGACATTCAGGTAACAGAGTTCCTTTATGA-3'
Protein context (NP_006258.3, residues 616-636): IKKKNSIPEP[Ile626Asn]DPLFKHFHSV